The following is an entry in ClinVar:

ClinVar aggregate classification (germline): Uncertain significance (1 of 4 stars; one submission).

Conditions:
Hereditary cancer-predisposing syndrome. Also called: Tumor predisposition; Hereditary Cancer Syndrome; Hereditary neoplastic syndrome; Neoplastic Syndromes, Hereditary. Identifiers: Orphanet 140162, MedGen C0027672, MeSH D009386, MONDO:0015356.

Submission:

Ambry Genetics
Classification: Uncertain significance for Hereditary cancer-predisposing syndrome. Last evaluated: 2023-07-25. Review status: criteria provided, single submitter. Criteria: Ambry Variant Classification Scheme 2023. Collection method: clinical testing. Allele origin: germline.
Comment: The p.V941E variant (also known as c.2822T>A), located in coding exon 12 of the MET gene, results from a T to A substitution at nucleotide position 2822. The valine at codon 941 is replaced by glutamic acid, an amino acid with dissimilar properties. This amino acid position is conserved. In addition, this alteration is predicted to be deleterious by in silico analysis. Since supporting evidence is limited at this time, the clinical significance of this alteration remains unclear.

NM_000245.4(MET):c.2768T>A (p.Val923Glu)

Gene: MET (MET proto-oncogene, receptor tyrosine kinase; plus strand). Cytogenetic location: 7q31.2.
Variant type: single nucleotide variant.
Coding change: c.2768T>A on transcript NM_000245.4 (MANE Select); coding-DNA position 2768, T replaced by A.
Protein change: p.Val923Glu; replaces valine 923 with glutamic acid.
Molecular consequence: missense variant.
Genome position (GRCh38, 1-based): chr7:116,771,535, T>A. VCF-style: chr7-116771535-T-A. GRCh37 (hg19) VCF-style: chr7-116411589-T-A.
Other names: c.2822T>A, p.Val941Glu (NM_001127500.3); c.1478T>A, p.Val493Glu (NM_001324402.2); short protein forms V493E, V941E, V923E.
Identifiers: ClinVar variation 2587481 (VCV002587481.2), dbSNP rs2485774740, ClinGen allele CA368986293.
Genomic context (GRCh38, chr7:116,771,535, plus strand): 5'-TTTTCTTTATTTGTCATTTTTAGTGGAAGCAAGCAATTTCTTCAACCGTCCTTGGAAAAG[T>A]AATAGTTCAACCAGATCAGAATTTCACAGGATTGATTGCTGGTGTTGTCTCAATATCAAC-3'
Protein context (NP_000236.2, residues 913-933): QAISSTVLGK[Val923Glu]IVQPDQNFTG